The following is an entry in ClinVar:

NM_000785.4(CYP27B1):c.1215+5G>A

Gene: CYP27B1 (cytochrome P450 family 27 subfamily B member 1; minus strand). Cytogenetic location: 12q14.1.
Variant type: single nucleotide variant.
Coding change: c.1215+5G>A on transcript NM_000785.4 (MANE Select); 5 bases into the intron after coding-DNA position 1215, G replaced by A.
Molecular consequence: intron variant.
Genome position (GRCh38, 1-based): chr12:57,764,093, C>T on the plus strand (G>A on the coding strand, the complement: CYP27B1 is on the minus strand). VCF-style: chr12-57764093-C-T. GRCh37 (hg19) VCF-style: chr12-58157876-C-T.
Identifiers: ClinVar variation 1421155 (VCV001421155.6), dbSNP rs2140396365, ClinGen allele CA2573148890.

ClinVar aggregate classification (germline): Uncertain significance (1 of 4 stars; one submission).

Submission:

Labcorp Genetics (formerly Invitae), Labcorp
Classification: Uncertain significance. Last evaluated: 2022-07-05. Review status: criteria provided, single submitter. Criteria: Invitae Variant Classification Sherloc (09022015). Collection method: clinical testing. Allele origin: germline.
Comment: This sequence change falls in intron 7 of the CYP27B1 gene. It does not directly change the encoded amino acid sequence of the CYP27B1 protein. It affects a nucleotide within the consensus splice site. In summary, the available evidence is currently insufficient to determine the role of this variant in disease. Therefore, it has been classified as a Variant of Uncertain Significance. Variants that disrupt the consensus splice site are a relatively common cause of aberrant splicing (PMID: 17576681, 9536098). Algorithms developed to predict the effect of sequence changes on RNA splicing suggest that this variant may disrupt the consensus splice site. ClinVar contains an entry for this variant (Variation ID: 1421155). This variant has not been reported in the literature in individuals affected with CYP27B1-related conditions. This variant is not present in population databases (gnomAD no frequency).

Literature cited by the submitters: PubMed 17576681; PubMed 9536098.